The following is an entry in ClinVar:

ClinVar aggregate classification (germline): Likely pathogenic. Review status: reviewed by expert panel (3 of 4 stars). 3 submissions from 3 submitters: Likely pathogenic (1). 2 of the submissions do not count toward it. Last evaluated 2026-08-20.

Conditions:
Leber congenital amaurosis (LCA). Also called: Leber's amaurosis. Identifiers: Orphanet 65, MedGen C0339527, MeSH D057130, MONDO:0018998.
RPE65-related recessive retinopathy. Also called: Recessive RPE65 retinopathy. Identifiers: MedGen CN305526, MONDO:0100368.
Cone-rod dystrophy. Also called: Cone-rod degeneration; Cone/cone-rod dystrophy. Identifiers: Orphanet 1872, MedGen C4085590, MONDO:0015993, HP:0000548.

Submissions (3):

ClinGen Leber Congenital Amaurosis/early Onset Retinal Dystrophy Variant Curation Expert Panel, ClinGen
Classification: Likely pathogenic for RPE65-related recessive retinopathy. Last evaluated: 2026-08-20. Review status: reviewed by expert panel. Criteria: ClinGen LCAeoRD ACMG Specifications RPE65 V1.0.0. Collection method: curation. Allele origin: germline. Inheritance: Autosomal recessive inheritance.
Comment: The NM_000329.3(RPE65):c.433G>C (p.Ala145Pro) is a predicted missense variant that changes the alanine at position p.145 to proline. This variant is absent from gnomAD v4.1.1 (PM2_Supporting). The computational predictor REVEL gives a score of 0.94, which is above the ClinGen LCA/eoRD VCEP threshold of ≥0.773 and predicts a damaging effect on RPE65 function (PP3_Moderate). The variant exhibited approximately 0% enzymatic activity in a retinoid isomerase assay relative to the wild-type control, which is lower than the ClinGen LCA/eoRD PS3_Supporting threshold of <10% activity, indicating that it triggers a severe defect in protein function (PS3_Supporting, unpublished data from VCEP member). At least one proband harboring this variant exhibits a phenotype including diagnosis of severe early onset retinal dystrophy or retinitis pigmentosa with onset during the first decade of life, genotyping by hereditary retinal dystrophy panel showing no alternative explanation for disease (2 pts), reduced visual acuity (1 pt), peripheral visual field constriction (1 pt), and macular atrophy (0.5 pts), which together are specific for RPE65-related recessive retinopathy (4.5 points, PMID: 36017377, PP4). This variant has been reported in at least 2 probands with hereditary retinal dystrophy with onset during the first decade of life who were homozygous for the variant (1 point, PMID: 36017377, 34315337). Two other missense variants at the same codon have been reported in similarly affected individuals (NM_000329.3(RPE65):c.434C>A (p.Ala145Asp) in PMIDs: 31273949 and 23661369, and NM_000329.3(RPE65):c.433G>A (p.Ala145Thr) in PMID: 26906952). The p.Ala145Asp variant has been classified as likely pathogenic for RPE65-related recessive retinopathy by the ClinGen LCA/eoRD VCEP (PM5_Supporting). In summary, this variant meets the criteria to be classified as Likely Pathogenic for RPE65-related recessive retinopathy based on the ACMG/AMP criteria applied, as specified by the ClinGen LCA/eoRD VCEP: PS3_Supporting, PM2_Supporting, PM3, PM5_Supporting, PP3_Moderate, and PP4. (LCA/eoRD VCEP specifications version 1.0.0).

Natera, Inc.
Classification: Likely pathogenic for Leber congenital amaurosis. Last evaluated: 2025-08-18. Review status: criteria provided, single submitter. Criteria: Natera Variant Classification Schema (03/2026). Collection method: clinical testing. Allele origin: germline. Not counted in ClinVar's aggregate classification.
Comment: The c.433G>C variant in RPE65 is a missense variant predicted to cause substitution of alanine to proline at amino acid 145. This variant is rare in the general population with a frequency below the threshold expected for the associated phenotype(s). This variant has been observed in one or more individuals affected with the associated recessive disease, as either homozygous or compound heterozygous with a second variant (PMID: 38576124, 36017377). A different variant at the same position has been determined to be Pathogenic or Likely Pathogenic. Computational prediction algorithms indicate this variant is likely to affect gene or protein function. Given the available evidence, this variant is classified as Likely Pathogenic.

Joint Genome Diagnostic Labs from Nijmegen and Maastricht, Radboudumc and MUMC+
Classification: Uncertain significance for cone-rod dystrophy. Last evaluated: 2016-09-01. Review status: no assertion criteria provided. Collection method: clinical testing. Allele origin: unknown. Affected: yes. Observed: 1 variant allele. Not counted in ClinVar's aggregate classification.

Literature cited by the submitters: PubMed 38576124 (cited by Natera, Inc.); PubMed 36017377 (cited by Natera, Inc.).

NM_000329.3(RPE65):c.433G>C (p.Ala145Pro)

Gene: RPE65 (retinoid isomerohydrolase RPE65; minus strand). Cytogenetic location: 1p31.3.
Variant type: single nucleotide variant.
Coding change: c.433G>C on transcript NM_000329.3 (MANE Select); coding-DNA position 433, G replaced by C.
Protein change: p.Ala145Pro; replaces alanine 145 with proline.
Molecular consequence: missense variant.
Genome position (GRCh38, 1-based): chr1:68,444,593, C>G on the plus strand (G>C on the coding strand, the complement: RPE65 is on the minus strand). VCF-style: chr1-68444593-C-G. GRCh37 (hg19) VCF-style: chr1-68910276-C-G.
Other names: NM_000329.3(RPE65):c.433G>C; p.Ala145Pro; short protein forms A145P.
Identifiers: ClinVar variation 560497 (VCV000560497.5), dbSNP rs767528365, ClinGen allele CA340747763.
Genomic context (GRCh38, chr1:68,444,593, plus strand): 5'-GCTTAATTGTCTCCAAGGTCTCTGGATTAATCTTTGTAATAAAGTTGGTCTCTGTGCAAG[C>G]GTAGTAATCTTCCCCCACTGGGTAGACATTAACAAGGGCATTGTCAGTAACCTCTACTCC-3'
Protein context (NP_000320.1, residues 135-155): NVYPVGEDYY[Ala145Pro]CTETNFITKI